The following is an entry in ClinVar:

NM_002291.3(LAMB1):c.1153C>G (p.Pro385Ala)

Gene: LAMB1 (laminin subunit beta 1; minus strand). Cytogenetic location: 7q31.1.
Variant type: single nucleotide variant.
Coding change: c.1153C>G on transcript NM_002291.3 (MANE Select); coding-DNA position 1153, C replaced by G.
Protein change: p.Pro385Ala; replaces proline 385 with alanine.
Molecular consequence: missense variant.
Genome position (GRCh38, 1-based): chr7:107,975,725, G>C on the plus strand (C>G on the coding strand, the complement: LAMB1 is on the minus strand). VCF-style: chr7-107975725-G-C. GRCh37 (hg19) VCF-style: chr7-107616170-G-C.
Other names: short protein forms P385A.
Identifiers: ClinVar variation 435724 (VCV000435724.9), dbSNP rs535788456, ClinGen allele CA4436103.
Genomic context (GRCh38, chr7:107,975,725, plus strand): 5'-AGTGAGTGACATTTCTCAACATACGTTCACAGAAATTAGGATCTCGGATGTCCCTCTCTG[G>C]GTGCTGGTAGTAAAACGGCTTGCACTGCTCACAGTTGCGCCCCATGGTGTTGTGCTGACA-3'
Protein context (NP_002282.2, residues 375-395): EQCKPFYYQH[Pro385Ala]ERDIRDPNFC

ClinVar aggregate classification (germline): Uncertain significance. Review status: criteria provided, multiple submitters, no conflicts (2 of 4 stars). 3 submissions from 3 submitters: Uncertain significance (3). Last evaluated 2024-10-24.

Conditions:
Cobblestone lissencephaly without muscular or ocular involvement. Also called: LEUKOENCEPHALOPATHY WITH VARIABLE CORTICAL BRAIN MALFORMATIONS AND/OR HYDROCEPHALUS; Lissencephaly 5. Identifiers: Orphanet 352682, MedGen C3554657, MONDO:0014077, OMIM 615191.

Allele frequency attached by ClinVar (database versions not stated): 1000 Genomes Project 30x 0.00016; 1000 Genomes Project 0.00020.
gnomAD v4.1: 51 of 1,612,900 alleles (0.0032%); highest among the groups gnomAD compares: South Asian, 0.055%; no homozygotes.

Submissions (3):

Labcorp Genetics (formerly Invitae), Labcorp
Classification: Uncertain significance. Last evaluated: 2024-10-24. Review status: criteria provided, single submitter. Criteria: Invitae Variant Classification Sherloc (09022015). Collection method: clinical testing. Allele origin: germline.
Comment: This sequence change replaces proline, which is neutral and non-polar, with alanine, which is neutral and non-polar, at codon 385 of the LAMB1 protein (p.Pro385Ala). This variant is present in population databases (rs535788456, gnomAD 0.05%). This variant has not been reported in the literature in individuals affected with LAMB1-related conditions. ClinVar contains an entry for this variant (Variation ID: 435724). An algorithm developed to predict the effect of missense changes on protein structure and function (PolyPhen-2) suggests that this variant is likely to be disruptive. In summary, the available evidence is currently insufficient to determine the role of this variant in disease. Therefore, it has been classified as a Variant of Uncertain Significance.

Genetic Services Laboratory, University of Chicago
Classification: Uncertain significance. Last evaluated: 2017-02-08. Review status: criteria provided, single submitter. Criteria: ACMG Guidelines, 2015. Collection method: clinical testing. Allele origin: germline. Affected: no.

Neuberg Centre For Genomic Medicine, NCGM
Classification: Uncertain significance for Cobblestone lissencephaly without muscular or ocular involvement. Review status: criteria provided, single submitter. Criteria: ACMG Guidelines, 2015. Collection method: clinical testing. Allele origin: germline. Inheritance: Autosomal recessive inheritance. Affected: yes.
Comment: The observed missense c.1153C>G (p.Pro385Ala) variant in LAMB1 gene has not been reported previously as a pathogenic variant nor as a benign variant, to our knowledge. The p.Pro385Ala variant has been reported with allele frequency of 0.007% in gnomAD Exomes. This variant has been submitted to the ClinVar database as Uncertain Significance. The amino acid change p.Pro385Ala in LAMB1 is predicted as conserved by GERP++ and PhyloP across 100 vertebrates. The amino acid Pro at position 385 is changed to a Ala changing protein sequence and it might alter its composition and physico-chemical properties. Multiple lines of computational evidence (Polyphen - Probably damaging, SIFT - Damaging and MutationTaster - Disease causing) predict a damaging effect on protein structure and function for this variant. For these reasons, this variant has been classified as a Variant of Uncertain Significance (VUS).